The following is an entry in ClinVar:

ClinVar aggregate classification (germline): Pathogenic. Review status: criteria provided, multiple submitters, no conflicts (2 of 4 stars). 3 submissions from 3 submitters: Pathogenic (3). Last evaluated 2020-11-10.

Conditions:
Familial thoracic aortic aneurysm and aortic dissection (TAAD). Also called: Thoracic aortic aneurysms and dissections. Identifiers: Orphanet 91387, MedGen C4707243, MONDO:0019625.
FBN1-related disorder. Also called: FBN1-related disorders.

Submissions (3):

Ambry Genetics
Classification: Pathogenic for Familial thoracic aortic aneurysm and aortic dissection. Last evaluated: 2020-11-10. Review status: criteria provided, single submitter. Criteria: Ambry Variant Classification Scheme 2023. Collection method: clinical testing. Allele origin: germline.
Comment: The p.C1672Y variant (also known as c.5015G>A), located in coding exon 40 of the FBN1 gene, results from a G to A substitution at nucleotide position 5015. The cysteine at codon 1672 is replaced by tyrosine, an amino acid with highly dissimilar properties, and is located in the cbEGF-like #24 domain. The majority of FBN1 mutations identified to date have involved the substitution or generation of cysteine residues within cbEGF domains (Vollbrandt T et al. J Biol Chem. 2004;279(31):32924-32931). Based on internal structural assessment, this alteration eliminates a structurally critical disulfide in the structurally sensitive cbEGF-like domain #24. This variant has been detected in an individual with systemic features of Marfan syndrome (MFS) (Attanasio M et al. Clin Genet, 2008 Jul;74:39-46). Two other alterations at the same codon, p.C1672R (c.5014T>C) and p.C1672F (c.5015G>T), have been described in association with with MFS, MFS-related features or in MFS cohorts (Schrijver I et al. Am. J. Hum. Genet., 1999; Attanasio M et al. Clin. Genet., 2008 Jul;74:39-46). This variant was not reported in population-based cohorts in the Genome Aggregation Database (gnomAD). Based on the supporting evidence, this alteration is interpreted as a disease-causing mutation.

Blueprint Genetics
Classification: Pathogenic for FBN1-related disorders. Last evaluated: 2020-10-07. Review status: criteria provided, single submitter. Criteria: ACMG Guidelines, 2015. Collection method: clinical testing. Allele origin: germline. Affected: yes. Observed: 2 variant alleles.

GeneDx
Classification: Pathogenic. Last evaluated: 2014-09-02. Review status: criteria provided, single submitter. Criteria: GeneDx Variant Classification (06012015). Collection method: clinical testing. Allele origin: germline. Affected: yes.
Comment: C1672Y results in a non-conservative amino acid substitution resulting in a loss of a Cysteine residue, which may impact disulfide bonding, at a position that is conserved across species. Mutations in the same residue (C1672F, C1672S, C1672R) and in nearby residues (C1663R, C1663Y, C1674G, C1674Y) have been reported in association with Marfan syndrome, further supporting the functional importance of this residue and region of the protein. Furthermore, the C1672Y mutation was not observed in approximately 6,500 individuals of European and African American ancestry in the NHLBI Exome Sequencing Project, indicating it is not a common benign variant in these populations. In summary, C1672Y in the FBN1 gene is interpreted as a disease-causing mutation. The variant is found in TAAD panel(s).

Literature cited by the submitters: PubMed 18435798 (cited by Ambry Genetics).

NM_000138.5(FBN1):c.5015G>A (p.Cys1672Tyr)

Gene: FBN1 (fibrillin 1; minus strand). Cytogenetic location: 15q21.1.
Variant type: single nucleotide variant.
Coding change: c.5015G>A on transcript NM_000138.5 (MANE Select); coding-DNA position 5015, G replaced by A.
Protein change: p.Cys1672Tyr; replaces cysteine 1672 with tyrosine.
Molecular consequence: missense variant.
Genome position (GRCh38, 1-based): chr15:48,463,949, C>T on the plus strand (G>A on the coding strand, the complement: FBN1 is on the minus strand). VCF-style: chr15-48463949-C-T. GRCh37 (hg19) VCF-style: chr15-48756146-C-T.
Other names: p.C1672Y:TGT>TAT; short protein forms C1672Y.
Identifiers: ClinVar variation 200187 (VCV000200187.6), dbSNP rs140627, ClinGen allele CA015547.